The following is an entry in ClinVar:

ClinVar aggregate classification (germline): Uncertain significance (1 of 4 stars; one submission).

Conditions:
Myofibrillar myopathy 4. Also called: Zaspopathy (type). Identifiers: Orphanet 98912, MedGen C4721886, MONDO:0012277, OMIM 609452.

Submission:

Labcorp Genetics (formerly Invitae), Labcorp
Classification: Uncertain significance for Myofibrillar myopathy 4. Last evaluated: 2024-10-29. Review status: criteria provided, single submitter. Criteria: Invitae Variant Classification Sherloc (09022015). Collection method: clinical testing. Allele origin: germline.
Comment: This sequence change replaces threonine, which is neutral and polar, with isoleucine, which is neutral and non-polar, at codon 148 of the LDB3 protein (p.Thr148Ile). This variant is not present in population databases (gnomAD no frequency). This variant has not been reported in the literature in individuals affected with LDB3-related conditions. An algorithm developed to predict the effect of missense changes on protein structure and function (PolyPhen-2) suggests that this variant is likely to be tolerated. In summary, the available evidence is currently insufficient to determine the role of this variant in disease. Therefore, it has been classified as a Variant of Uncertain Significance.

NM_001368067.1(LDB3):c.443C>T (p.Thr148Ile)

Genes: LDB3 (LIM domain binding 3; plus strand), LOC110121486 (VISTA enhancer hs2143; plus strand). Cytogenetic location: 10q23.2.
Variant type: single nucleotide variant.
Coding change: c.443C>T on transcript NM_001368067.1 (MANE Plus Clinical); coding-DNA position 443, C replaced by T.
Protein change: p.Thr148Ile; replaces threonine 148 with isoleucine.
Molecular consequence: missense variant. On other transcripts: intron variant (5).
Genome position (GRCh38, 1-based): chr10:86,687,167, C>T. VCF-style: chr10-86687167-C-T. GRCh37 (hg19) VCF-style: chr10-88446924-C-T.
Other names: c.443C>T, p.Thr148Ile (NM_001080114.2, NM_001080116.1, NM_001368066.1 and 1 more transcripts); c.788C>T, p.Thr263Ile (NM_001171610.2, NM_001171611.2); c.690-4729C>T (NM_001368064.1, NM_001368063.1, NM_007078.3 and 2 more transcripts); short protein forms T263I, T148I.
Identifiers: ClinVar variation 3697341 (VCV003697341.2).